The following is an entry in ClinVar:

ClinVar aggregate classification (germline): Uncertain significance (1 of 4 stars; one submission).

Allele frequency attached by ClinVar (database versions not stated): gnomAD exomes below 0.00001 and 0.00001; ExAC 0.00001.
gnomAD v4.1: 13 of 1,613,752 alleles (0.00081%); highest among the groups gnomAD compares: Admixed American, 0.0017%; no homozygotes.

Submission:

Greenwood Genetic Center Diagnostic Laboratories, Greenwood Genetic Center
Classification: Uncertain significance. Last evaluated: 2021-12-09. Review status: criteria provided, single submitter. Criteria: ACMG Guidelines, 2015. Collection method: clinical testing. Allele origin: germline. Affected: yes.
Comment: PM2

NM_015001.3(SPEN):c.7354T>G (p.Ser2452Ala)

Gene: SPEN (spen family transcriptional repressor; plus strand). Cytogenetic location: 1p36.13.
Variant type: single nucleotide variant.
Coding change: c.7354T>G on transcript NM_015001.3 (MANE Select); coding-DNA position 7354, T replaced by G.
Protein change: p.Ser2452Ala; replaces serine 2452 with alanine.
Molecular consequence: missense variant.
Genome position (GRCh38, 1-based): chr1:15,933,594, T>G. VCF-style: chr1-15933594-T-G. GRCh37 (hg19) VCF-style: chr1-16260089-T-G.
Other names: short protein forms S2452A.
Identifiers: ClinVar variation 1334693 (VCV001334693.4), dbSNP rs755620089, ClinGen allele CA620085.
Genomic context (GRCh38, chr1:15,933,594, plus strand): 5'-CCCCCACCTCCCCAGCCAGCACCGGTGGATGAGGAGCCTCAAGCCAGGTTCAGGGTGCAT[T>G]CCATCATTGAAAGTGACCCGGTGACCCCACCCAGCGATCCAAGCATCCCCATACCCACAC-3'
Protein context (NP_055816.2, residues 2442-2462): EEPQARFRVH[Ser2452Ala]IIESDPVTPP